The following is an entry in ClinVar:

ClinVar aggregate classification (germline): Uncertain significance (1 of 4 stars; one submission).

Conditions:
Amyotrophic lateral sclerosis type 5 (ALS5). Also called: AMYOTROPHIC LATERAL SCLEROSIS 5, JUVENILE. Identifiers: Orphanet 300605, MedGen C1865864, MONDO:0011196, OMIM 602099.
Hereditary spastic paraplegia 11. Also called: SPASTIC PARAPLEGIA, AUTOSOMAL RECESSIVE, COMPLICATED, WITH THIN CORPUS CALLOSUM; SPASTIC PARAPLEGIA, AUTOSOMAL RECESSIVE, WITH MENTAL IMPAIRMENT AND THIN CORPUS CALLOSUM; Spastic Paraplegia 11; Spastic paraplegia, mental retardation and thin corpus callosum; Nakamura Osame syndrome; Autosomal recessive hereditary spastic paraplegia, mental impairment, and thin corpus callosum. Identifiers: Orphanet 2822, MedGen C1858479, MONDO:0011445, OMIM 604360.

Submission:

Kariminejad - Najmabadi Pathology & Genetics Center
Classification: Uncertain significance for Hereditary spastic paraplegia 11; Amyotrophic lateral sclerosis type 5. Last evaluated: 2021-01-09. Review status: criteria provided, single submitter. Criteria: ACMG Guidelines, 2015. Collection method: clinical testing. Allele origin: germline. Inheritance: Autosomal recessive inheritance. Affected: yes.
Comment: PM2,PP3

NM_025137.4(SPG11):c.3764T>A (p.Val1255Asp)

Gene: SPG11 (SPG11 vesicle trafficking associated, spatacsin; minus strand). Cytogenetic location: 15q21.1.
Variant type: single nucleotide variant.
Coding change: c.3764T>A on transcript NM_025137.4 (MANE Select); coding-DNA position 3764, T replaced by A.
Protein change: p.Val1255Asp; replaces valine 1255 with aspartic acid.
Molecular consequence: missense variant.
Genome position (GRCh38, 1-based): chr15:44,598,759, A>T on the plus strand (T>A on the coding strand, the complement: SPG11 is on the minus strand). VCF-style: chr15-44598759-A-T. GRCh37 (hg19) VCF-style: chr15-44890957-A-T.
Other names: c.3764T>A, p.Val1255Asp (NM_001160227.2, NM_001411132.1); short protein forms V1255D.
Identifiers: ClinVar variation 3897019 (VCV003897019.1).
Genomic context (GRCh38, chr15:44,598,759, plus strand): 5'-GCCACTTTCATATCAACTCTGAGCTTGAGGCTGTCAAGGCCAAGCAATTCTAAGAAACAA[A>T]CACATGCAGCTCCTATTGAAGGTATGTGGAAGGAGGAGAGCCCTATAACATAGGCTTCAT-3'
Protein context (NP_079413.3, residues 1245-1265): FHIPSIGAAC[Val1255Asp]CFLELLGLDS